The following is an entry in ClinVar:

ClinVar aggregate classification (germline): Likely pathogenic. Review status: criteria provided, single submitter (1 of 4 stars). 2 submissions from 2 submitters: Likely pathogenic (1). 1 of the submissions does not count toward it. Last evaluated 2025-06-16.

Conditions:
Cardiovascular phenotype. Identifiers: MedGen CN230736.
COL3A1-related disorder. Also called: COL3A1-related condition.

Submissions (2):

Molecular Diagnostic Laboratory for Inherited Cardiovascular Disease, Montreal Heart Institute
Classification: Likely pathogenic for Cardiovascular phenotype. Last evaluated: 2025-06-16. Review status: criteria provided, single submitter. Criteria: ACMG Guidelines, 2015. Collection method: clinical testing. Allele origin: germline. Affected: yes.
Comment: PM1, PM2, PP2, PP3

PreventionGenetics, part of Exact Sciences
Classification: Likely pathogenic for COL3A1-related condition. Last evaluated: 2024-05-10. Review status: no assertion criteria provided. Collection method: clinical testing. Allele origin: germline. Not counted in ClinVar's aggregate classification.
Comment: The COL3A1 c.3077G>A variant is predicted to result in the amino acid substitution p.Gly1026Glu. To our knowledge, this variant has not been reported in the literature or in a large population database, indicating this variant is rare. This variant substitutes a glycine residue to another amino acid in the Gly-X-Y triple helical domain, as seen for the majority of causative missense changes in this gene (Pepin et al. 2014. PubMed ID: 24922459). An alternate missense variation at the same amino acid position has been reported in an affected individual and classified as likely pathogenic in ClinVar. This variant is interpreted as likely pathogenic.

NM_000090.4(COL3A1):c.3077G>A (p.Gly1026Glu)

Gene: COL3A1 (collagen type III alpha 1 chain; plus strand). Cytogenetic location: 2q32.2.
Variant type: single nucleotide variant.
Coding change: c.3077G>A on transcript NM_000090.4 (MANE Select); coding-DNA position 3077, G replaced by A.
Protein change: p.Gly1026Glu; replaces glycine 1026 with glutamic acid.
Molecular consequence: missense variant.
Genome position (GRCh38, 1-based): chr2:189,006,243, G>A. VCF-style: chr2-189006243-G-A. GRCh37 (hg19) VCF-style: chr2-189870969-G-A.
Other names: short protein forms G1026E.
Identifiers: ClinVar variation 3347387 (VCV003347387.2).